The following is an entry in ClinVar:

ClinVar aggregate classification (germline): Uncertain significance (1 of 4 stars; one submission).

Allele frequency attached by ClinVar (database versions not stated): gnomAD exomes below 0.00001.
gnomAD v4.1: 1 of 1,608,086 alleles (0.000062%); highest among the groups gnomAD compares: Non-Finnish European, 0.000085%; no homozygotes.

Submission:

CeGaT Center for Human Genetics Tuebingen
Classification: Uncertain significance. Last evaluated: 2023-07-01. Review status: criteria provided, single submitter. Criteria: CeGaT Center For Human Genetics Tuebingen Variant Classification Criteria Version 2. Collection method: clinical testing. Allele origin: germline. Affected: yes. Observed: 1 variant allele.
Comment: TMC1: PM2, BP4

NM_138691.3(TMC1):c.2130-4T>C

Gene: TMC1 (transmembrane channel like 1; plus strand). Cytogenetic location: 9q21.13.
Variant type: single nucleotide variant.
Coding change: c.2130-4T>C on transcript NM_138691.3 (MANE Select); 4 bases into the intron before coding-DNA position 2130, T replaced by C.
Molecular consequence: intron variant.
Genome position (GRCh38, 1-based): chr9:72,830,447, T>C. VCF-style: chr9-72830447-T-C. GRCh37 (hg19) VCF-style: chr9-75445363-T-C.
Identifiers: ClinVar variation 2579063 (VCV002579063.25), dbSNP rs2489999405, ClinGen allele CA2580617888.
Genomic context (GRCh38, chr9:72,830,447, plus strand): 5'-TTTAAGAAGTATCTTGGGGAACTGAAATATACCTTACACTGTATTTTTTTTCTTTTTAAT[T>C]TAGTTTGGCCATCTATTATCTCAATGCTACTGCCAAGGGCCAGAAGGCAGCGAATCTGGA-3'